The following is an entry in ClinVar:

ClinVar aggregate classification (germline): Benign/Likely benign. Review status: criteria provided, multiple submitters, no conflicts (2 of 4 stars). 3 submissions from 3 submitters: Benign (1); Likely benign (1). 1 of the submissions does not count toward it. Last evaluated 2025-03-18.

Conditions:
Epidermolysis bullosa, junctional 7, with interstitial lung disease and nephrotic syndrome. Also called: Interstitial lung disease, nephrotic syndrome, and epidermolysis bullosa, congenital; Interstitial Lung Disease with Nephrotic Syndrome and Epidermolysis Bullosa. Identifiers: Orphanet 306504, MedGen C4518785, MONDO:0013881, OMIM 614748.
ITGA3-related disorder. Also called: ITGA3-related condition.

Allele frequency attached by ClinVar (database versions not stated): TOPMed 0.00004.
gnomAD v4.1: 91 of 1,612,384 alleles (0.0056%); highest among the groups gnomAD compares: Admixed American, 0.15%; 1 homozygote.

Submissions (3):

Labcorp Genetics (formerly Invitae), Labcorp
Classification: Benign. Last evaluated: 2025-03-18. Review status: criteria provided, single submitter. Criteria: Invitae Variant Classification Sherloc (09022015). Collection method: clinical testing. Allele origin: germline.

Fulgent Genetics
Classification: Likely benign for Epidermolysis bullosa, junctional 7, with interstitial lung disease and nephrotic syndrome. Last evaluated: 2021-08-30. Review status: criteria provided, single submitter. Criteria: ACMG Guidelines, 2015. Collection method: clinical testing. Allele origin: unknown.

PreventionGenetics, part of Exact Sciences
Classification: Likely benign for ITGA3-related condition. Last evaluated: 2020-10-14. Review status: no assertion criteria provided. Collection method: clinical testing. Allele origin: germline. Not counted in ClinVar's aggregate classification.
Comment: This variant is classified as likely benign based on ACMG/AMP sequence variant interpretation guidelines (Richards et al. 2015 PMID: 25741868, with internal and published modifications).

NM_002204.4(ITGA3):c.1675-8C>T

Gene: ITGA3 (integrin subunit alpha 3; plus strand). Cytogenetic location: 17q21.33.
Variant type: single nucleotide variant.
Coding change: c.1675-8C>T on transcript NM_002204.4 (MANE Select); 8 bases into the intron before coding-DNA position 1675, C replaced by T.
Molecular consequence: intron variant.
Genome position (GRCh38, 1-based): chr17:50,076,318, C>T. VCF-style: chr17-50076318-C-T. GRCh37 (hg19) VCF-style: chr17-48153682-C-T.
Identifiers: ClinVar variation 749148 (VCV000749148.12), dbSNP rs373834648, ClinGen allele CA8641650.